The following is an entry in ClinVar:

NM_003265.3(TLR3):c.2291A>G (p.Tyr764Cys)

Gene: TLR3 (toll like receptor 3; plus strand). Cytogenetic location: 4q35.1.
Variant type: single nucleotide variant.
Coding change: c.2291A>G on transcript NM_003265.3 (MANE Select); coding-DNA position 2291, A replaced by G.
Protein change: p.Tyr764Cys; replaces tyrosine 764 with cysteine.
Molecular consequence: missense variant.
Genome position (GRCh38, 1-based): chr4:186,083,977, A>G. VCF-style: chr4-186083977-A-G. GRCh37 (hg19) VCF-style: chr4-187005131-A-G.
Other names: short protein forms Y764C.
Identifiers: ClinVar variation 1025620 (VCV001025620.7), dbSNP rs142813217, ClinGen allele CA3161547.

ClinVar aggregate classification (germline): Uncertain significance (1 of 4 stars; one submission).

Conditions:
Encephalopathy, acute, infection-induced (herpes-specific), susceptibility to, 1. Also called: Herpes simplex encephalitis, susceptibility to, 1. Identifiers: Orphanet 1930, MedGen C2750180, MONDO:0024563, OMIM 610551.

Allele frequency attached by ClinVar (database versions not stated): ExAC 0.00007; gnomAD 0.00021 and 0.00026; ESP Exome Variant Server 0.00023; gnomAD exomes 0.00003 and 0.00005; TOPMed 0.00028.

Submission:

Labcorp Genetics (formerly Invitae), Labcorp
Classification: Uncertain significance for Encephalopathy, acute, infection-induced (herpes-specific), susceptibility to, 1. Last evaluated: 2025-12-20. Review status: criteria provided, single submitter. Criteria: Invitae Variant Classification Sherloc (09022015). Collection method: clinical testing. Allele origin: germline.
Comment: This sequence change replaces tyrosine, which is neutral and polar, with cysteine, which is neutral and slightly polar, at codon 764 of the TLR3 protein (p.Tyr764Cys). This variant is present in population databases (rs142813217, gnomAD 0.09%), and has an allele count higher than expected for a pathogenic variant. This variant has not been reported in the literature in individuals affected with TLR3-related conditions. ClinVar contains an entry for this variant (Variation ID: 1025620). An algorithm developed to predict the effect of missense changes on protein structure and function (PolyPhen-2) suggests that this variant is likely to be disruptive. In summary, the available evidence is currently insufficient to determine the role of this variant in disease. Therefore, it has been classified as a Variant of Uncertain Significance.